The following is an entry in ClinVar:

NM_001367805.3(KIF23):c.797T>A (p.Leu266His)

Gene: KIF23 (kinesin family member 23; plus strand). Cytogenetic location: 15q23.
Variant type: single nucleotide variant.
Coding change: c.797T>A on transcript NM_001367805.3 (MANE Select); coding-DNA position 797, T replaced by A.
Protein change: p.Leu266His; replaces leucine 266 with histidine.
Molecular consequence: missense variant. On other transcripts: non-coding transcript variant (2).
Genome position (GRCh38, 1-based): chr15:69,426,090, T>A. VCF-style: chr15-69426090-T-A. GRCh37 (hg19) VCF-style: chr15-69718429-T-A.
Other names: c.425T>A, p.Leu142His (NM_001281301.2); c.755T>A, p.Leu252His (NM_001367804.2, NM_004856.7, NM_138555.4); short protein forms L252H, L266H, L142H.
Identifiers: ClinVar variation 402143 (VCV000402143.1), dbSNP rs748016594, ClinGen allele CA16609534.

ClinVar aggregate classification (germline): Likely pathogenic (1 of 4 stars; one submission).

Conditions:
Microcephaly. Also called: Microcephaly (disease). Identifiers: MedGen C4551563, MONDO:0001149, HP:0000252.

Submission:

Lupski Lab, Baylor-Hopkins CMG, Baylor College of Medicine
Classification: Likely pathogenic for Microcephaly. Review status: criteria provided, single submitter. Criteria: Karaca et al. (Neuron 2015). Collection method: research. Allele origin: inherited. Inheritance: Autosomal recessive inheritance. Affected: yes.
Comment: KIF23 is predicted to interact with several genes previously associated with microcephaly